The following is an entry in ClinVar:

ClinVar aggregate classification (germline): Uncertain significance (1 of 4 stars; one submission).

Conditions:
Familial thoracic aortic aneurysm and aortic dissection (TAAD). Also called: Thoracic aortic aneurysms and dissections. Identifiers: Orphanet 91387, MedGen C4707243, MONDO:0019625.

Submission:

Ambry Genetics
Classification: Uncertain significance for Familial thoracic aortic aneurysm and aortic dissection. Last evaluated: 2023-11-05. Review status: criteria provided, single submitter. Criteria: Ambry Variant Classification Scheme 2023. Collection method: clinical testing. Allele origin: germline.
Comment: The p.E1677D variant (also known as c.5031G>T), located in coding exon 34 of the MYH11 gene, results from a G to T substitution at nucleotide position 5031. The glutamic acid at codon 1677 is replaced by aspartic acid, an amino acid with highly similar properties. This amino acid position is conserved. In addition, this alteration is predicted to be tolerated by in silico analysis. Since supporting evidence is limited at this time, the clinical significance of this alteration remains unclear.

NM_002474.3(MYH11):c.5031G>T (p.Glu1677Asp)

Genes: MYH11 (myosin heavy chain 11; minus strand), NDE1 (nudE neurodevelopment protein 1; plus strand). Cytogenetic location: 16p13.11.
Variant type: single nucleotide variant.
Coding change: c.5031G>T on transcript NM_002474.3 (MANE Select); coding-DNA position 5031, G replaced by T.
Protein change: p.Glu1677Asp; replaces glutamic acid 1677 with aspartic acid.
Molecular consequence: missense variant. On other transcripts: intron variant (2).
Genome position (GRCh38, 1-based): chr16:15,719,636, C>A on the plus strand (G>T on the coding strand, the complement: MYH11 is on the minus strand). VCF-style: chr16-15719636-C-A. GRCh37 (hg19) VCF-style: chr16-15813493-C-A.
Other names: c.5052G>T, p.Glu1684Asp (NM_001040113.2, NM_001040114.2); c.5031G>T, p.Glu1677Asp (NM_022844.3); c.948-4555C>A (NM_001143979.2, NM_017668.3); short protein forms E1677D, E1684D.
Identifiers: ClinVar variation 3222390 (VCV003222390.1), dbSNP rs765569537, ClinGen allele CA394851545.